The following is an entry in ClinVar:

NM_014727.3(KMT2B):c.1316C>G (p.Pro439Arg)

Gene: KMT2B (lysine methyltransferase 2B; plus strand). Cytogenetic location: 19q13.12.
Variant type: single nucleotide variant.
Coding change: c.1316C>G on transcript NM_014727.3 (MANE Select); coding-DNA position 1316, C replaced by G.
Protein change: p.Pro439Arg; replaces proline 439 with arginine.
Molecular consequence: missense variant.
Genome position (GRCh38, 1-based): chr19:35,720,663, C>G. VCF-style: chr19-35720663-C-G. GRCh37 (hg19) VCF-style: chr19-36211565-C-G.
Other names: short protein forms P439R.
Identifiers: ClinVar variation 4799502 (VCV004799502.1).
Genomic context (GRCh38, chr19:35,720,663, plus strand): 5'-CCCCTTCGACATCTCCTCCACCCCCACTCTGCCCTCCACCACCACCCCCAGTGTCCCCAC[C>G]ACCTCTACCATCCCCTCCACCGCCTCCTGCCCAAGAGGAGCAGGAGGAATCCCCTCCTCC-3'
Protein context (NP_055542.1, residues 429-449): CPPPPPPVSP[Pro439Arg]PLPSPPPPPA

ClinVar aggregate classification (germline): Uncertain significance (1 of 4 stars; one submission).

Submission:

Labcorp Genetics (formerly Invitae), Labcorp
Classification: Uncertain significance. Last evaluated: 2025-08-17. Review status: criteria provided, single submitter. Criteria: Invitae Variant Classification Sherloc (09022015). Collection method: clinical testing. Allele origin: germline.
Comment: This sequence change replaces proline, which is neutral and non-polar, with arginine, which is basic and polar, at codon 439 of the KMT2B protein (p.Pro439Arg). This variant is not present in population databases (gnomAD no frequency). This variant has not been reported in the literature in individuals affected with KMT2B-related conditions. Invitae Evidence Modeling of protein sequence and biophysical properties (such as structural, functional, and spatial information, amino acid conservation, physicochemical variation, residue mobility, and thermodynamic stability) indicates that this missense variant is not expected to disrupt KMT2B protein function with a negative predictive value of 95%. In summary, the available evidence is currently insufficient to determine the role of this variant in disease. Therefore, it has been classified as a Variant of Uncertain Significance.